The following is an entry in ClinVar:

ClinVar aggregate classification (germline): Benign. Review status: criteria provided, multiple submitters, no conflicts (2 of 4 stars). 3 submissions from 3 submitters: Benign (2). 1 of the submissions does not count toward it. Last evaluated 2026-02-01.

Conditions:
NUP133-related disorder. Also called: NUP133-related condition.

Allele frequency attached by ClinVar (database versions not stated): ESP Exome Variant Server 0.00015; gnomAD exomes 0.00028 and 0.00099; gnomAD 0.00041 and 0.00046; 1000 Genomes Project 0.00060; TOPMed 0.00076; 1000 Genomes Project 30x 0.00078; ExAC 0.00111.
gnomAD v4.1: 466 of 1,566,068 alleles (0.03%); highest among the groups gnomAD compares: Admixed American, 0.74%; 2 homozygotes.

Submissions (3):

Labcorp Genetics (formerly Invitae), Labcorp
Classification: Benign. Last evaluated: 2026-02-01. Review status: criteria provided, single submitter. Criteria: Invitae Variant Classification Sherloc (09022015). Collection method: clinical testing. Allele origin: germline.

Breakthrough Genomics
Classification: Benign. Review status: criteria provided, single submitter. Criteria: ACMG Guidelines, 2015. Collection method: not provided. Allele origin: germline. Inheritance: Autosomal recessive inheritance. Affected: yes.

PreventionGenetics, part of Exact Sciences
Classification: Benign for NUP133-related condition. Last evaluated: 2019-07-30. Review status: no assertion criteria provided. Collection method: clinical testing. Allele origin: germline. Not counted in ClinVar's aggregate classification.
Comment: This variant is classified as benign based on ACMG/AMP sequence variant interpretation guidelines (Richards et al. 2015 PMID: 25741868, with internal and published modifications).

NM_018230.3(NUP133):c.649-7T>C

Gene: NUP133 (nucleoporin 133; minus strand). Cytogenetic location: 1q42.13.
Variant type: single nucleotide variant.
Coding change: c.649-7T>C on transcript NM_018230.3 (MANE Select); 7 bases into the intron before coding-DNA position 649, T replaced by C.
Molecular consequence: intron variant.
Genome position (GRCh38, 1-based): chr1:229,498,313, A>G on the plus strand (T>C on the coding strand, the complement: NUP133 is on the minus strand). VCF-style: chr1-229498313-A-G. GRCh37 (hg19) VCF-style: chr1-229634060-A-G.
Other names: c.649-7T>C (NM_018230.2).
Identifiers: ClinVar variation 1664201 (VCV001664201.11), dbSNP rs373651738, ClinGen allele CA1443744.
Genomic context (GRCh38, chr1:229,498,313, plus strand): 5'-AGGTATCAACCGAATTAGTTGGCTTCCTGATGAAGACAAAATAAAACTTCCTCCCTGTGA[A>G]AAAACATTATGAGGTTAGTTCAGTTTAGCATCGAATGCTAAGATAAAATGAAAAATTCTT-3'